The following is an entry in ClinVar:

ClinVar aggregate classification (germline): Uncertain significance (1 of 4 stars; one submission).

Conditions:
Autosomal recessive nonsyndromic hearing loss 77. Identifiers: Orphanet 90636, MedGen C2746083, MONDO:0013119, OMIM 613079.

Submission:

3billion
Classification: Uncertain significance for Autosomal recessive nonsyndromic hearing loss 77. Last evaluated: 2025-12-18. Review status: criteria provided, single submitter. Criteria: ACMG Guidelines, 2015. Collection method: clinical testing. Allele origin: germline. Affected: yes.
Comment: The variant is not observed in the gnomAD v4.1.0 dataset. Predicted Consequence/Location: Missense variant. The majority of the known disease-causing variants of this gene are variants expected to result in premature termination of the protein. In silico tool predictions suggest damaging effect of the variant on gene or gene product [REVEL: 0.88 (>=0.6, sensitivity 0.68 and specificity 0.92)]. A different missense change at the same codon (p.Gly1911Arg) has been reported as pathogenic/likely pathogenic with strong evidence (ClinVar ID: VCV000505057 /PMID: 28984810). Therefore, this variant is classified as VUS according to the recommendation of ACMG/AMP guideline.

Literature cited by the submitters: PubMed 28984810.

NM_001384474.1(LOXHD1):c.5731G>T (p.Gly1911Trp)

Gene: LOXHD1 (lipoxygenase homology PLAT domains 1; minus strand). Cytogenetic location: 18q21.1.
Variant type: single nucleotide variant.
Coding change: c.5731G>T on transcript NM_001384474.1 (MANE Select); coding-DNA position 5731, G replaced by T.
Protein change: p.Gly1911Trp; replaces glycine 1911 with tryptophan.
Molecular consequence: missense variant.
Genome position (GRCh38, 1-based): chr18:46,505,985, C>A on the plus strand (G>T on the coding strand, the complement: LOXHD1 is on the minus strand). VCF-style: chr18-46505985-C-A. GRCh37 (hg19) VCF-style: chr18-44085948-C-A.
Other names: c.2398G>T, p.Gly800Trp (NM_001145472.3); c.448G>T, p.Gly150Trp (NM_001145473.3, NM_001173129.2); c.2110G>T, p.Gly704Trp (NM_001308013.2); c.5545G>T, p.Gly1849Trp (NM_144612.7); short protein forms G150W, G1849W, G1911W, G704W, G800W.
Identifiers: ClinVar variation 4854219 (VCV004854219.1).